The following is an entry in ClinVar:

ClinVar aggregate classification (germline): Benign/Likely benign. Review status: criteria provided, multiple submitters, no conflicts (2 of 4 stars). 3 submissions from 3 submitters: Benign (1); Likely benign (2). Last evaluated 2026-05-21.

Conditions:
Neurofibromatosis, type 1 (NF1). Also called: Neurofibromatosis, type I; NEUROFIBROMATOSIS, TYPE I, SOMATIC; Peripheral type neurofibromatosis; VON RECKLINGHAUSEN DISEASE. Identifiers: Orphanet 636, MedGen C0027831, MONDO:0018975, OMIM 162200. Disease mechanism: loss of function.
Hereditary cancer-predisposing syndrome. Also called: Neoplastic Syndromes, Hereditary; Tumor predisposition; Hereditary neoplastic syndrome; Hereditary Cancer Syndrome. Identifiers: Orphanet 140162, MedGen C0027672, MeSH D009386, MONDO:0015356.
Cardiovascular phenotype. Identifiers: MedGen CN230736.

Submissions (3):

Myriad Genetics, Inc.
Classification: Benign for Neurofibromatosis, type 1. Last evaluated: 2026-05-21. Review status: criteria provided, single submitter. Criteria: Myriad Autosomal Dominant, Autosomal Recessive and X-Linked Classification Criteria (2023). Collection method: clinical testing. Allele origin: unknown.
Comment: This variant is considered benign. This variant is a silent/synonymous amino acid change and it is not expected to impact splicing.

Ambry Genetics
Classification: Likely benign for Cardiovascular phenotype; Hereditary cancer-predisposing syndrome. Last evaluated: 2022-09-20. Review status: criteria provided, single submitter. Criteria: Ambry Variant Classification Scheme 2023. Collection method: clinical testing. Allele origin: germline.

Labcorp Genetics (formerly Invitae), Labcorp
Classification: Likely benign for Neurofibromatosis, type 1. Last evaluated: 2022-02-25. Review status: criteria provided, single submitter. Criteria: Invitae Variant Classification Sherloc (09022015). Collection method: clinical testing. Allele origin: germline.

NM_001042492.3(NF1):c.6243A>G (p.Leu2081=)

Gene: NF1 (neurofibromin 1; plus strand). Cytogenetic location: 17q11.2.
Variant type: single nucleotide variant.
Coding change: c.6243A>G on transcript NM_001042492.3 (MANE Select); coding-DNA position 6243, A replaced by G.
Protein change: p.Leu2081=; no amino-acid change (leucine 2081 retained).
Molecular consequence: synonymous variant.
Genome position (GRCh38, 1-based): chr17:31,336,730, A>G. VCF-style: chr17-31336730-A-G. GRCh37 (hg19) VCF-style: chr17-29663748-A-G.
Other names: c.6180A>G, p.Leu2060= (NM_000267.4).
Identifiers: ClinVar variation 1752069 (VCV001752069.8), dbSNP rs2151554574, ClinGen allele CA499446312.